The following is an entry in ClinVar:

ClinVar aggregate classification (germline): Likely pathogenic (1 of 4 stars; one submission).

Conditions:
Autosomal dominant Alport syndrome (ATS3A). Also called: Alport syndrome dominant type; Renal failure and sensorineural hearing loss; ALPORT SYNDROME 3A, AUTOSOMAL DOMINANT. Identifiers: Orphanet 63, Orphanet 88918, MedGen C5882663, MONDO:0007086, OMIM 104200.

Submission:

MVZ Medizinische Genetik Mainz
Classification: Likely pathogenic for Autosomal dominant Alport syndrome. Last evaluated: 2026-05-27. Review status: criteria provided, single submitter. Criteria: UK Practice Guidelines For Variant Classification V4 01 2020. Collection method: clinical testing. Allele origin: germline. Inheritance: Autosomal dominant inheritance. Affected: yes. Observed: 1 variant allele.
Comment: ACMG Criteria: PM1_STR,PM2_SUP,PP3,PP4

NM_000091.5(COL4A3):c.4037G>C (p.Gly1346Ala)

Genes: COL4A3 (collagen type IV alpha 3 chain; plus strand), MFF-DT (MFF divergent transcript; minus strand). Cytogenetic location: 2q36.3.
Variant type: single nucleotide variant.
Coding change: c.4037G>C on transcript NM_000091.5 (MANE Select); coding-DNA position 4037, G replaced by C.
Protein change: p.Gly1346Ala; replaces glycine 1346 with alanine.
Molecular consequence: missense variant.
Genome position (GRCh38, 1-based): chr2:227,304,028, G>C. VCF-style: chr2-227304028-G-C. GRCh37 (hg19) VCF-style: chr2-228168744-G-C.
Other names: short protein forms G1346A.
Identifiers: ClinVar variation 4857298 (VCV004857298.1).
Genomic context (GRCh38, chr2:227,304,028, plus strand): 5'-AGGTAACACATCCGTGAGGCCATCATCTTCTTCTTATGTTTATGTCAACAGGTGTACGTG[G>C]AGACCCTGGCACACTTAAGATTATCTCCCTTCCAGGAAGCCCAGGGCCACCTGGCACACC-3'
Protein context (NP_000082.2, residues 1336-1356): IGPKGPPGVR[Gly1346Ala]DPGTLKIISL